The following is an entry in ClinVar:

NM_000018.4(ACADVL):c.8C>T (p.Ala3Val)

Genes: ACADVL (acyl-CoA dehydrogenase very long chain; plus strand), DLG4 (discs large MAGUK scaffold protein 4; minus strand). Cytogenetic location: 17p13.1.
Variant type: single nucleotide variant.
Coding change: c.8C>T on transcript NM_000018.4 (MANE Select); coding-DNA position 8, C replaced by T.
Protein change: p.Ala3Val; replaces alanine 3 with valine.
Molecular consequence: missense variant. On other transcripts: 5 prime UTR variant (2), non-coding transcript variant (1), intron variant (1).
Genome position (GRCh38, 1-based): chr17:7,219,992, C>T. VCF-style: chr17-7219992-C-T. GRCh37 (hg19) VCF-style: chr17-7123311-C-T.
Other names: c.-1143G>A (NM_001321074.1); c.8C>T, p.Ala3Val (NM_001033859.3); c.-296C>T (NM_001270448.2); c.132-130C>T (NM_001270447.2); short protein forms A3V.
Identifiers: ClinVar variation 1915930 (VCV001915930.4), dbSNP rs780877125, ClinGen allele CA8337509.

ClinVar aggregate classification (germline): Uncertain significance (1 of 4 stars; one submission).

Conditions:
Very long chain acyl-CoA dehydrogenase deficiency (ACADVLD). Also called: VLCAD Deficiency; Very Long-Chain Acyl-Coenzyme A Dehydrogenase Deficiency. Identifiers: Orphanet 26793, MedGen C3887523, MONDO:0008723, OMIM 201475.

Allele frequency attached by ClinVar (database versions not stated): ExAC 0.00005; gnomAD exomes 0.00001.
gnomAD v4.1: 20 of 1,603,066 alleles (0.0012%); highest among the groups gnomAD compares: South Asian, 0.021%; 2 homozygotes.

Submission:

Labcorp Genetics (formerly Invitae), Labcorp
Classification: Uncertain significance for Very long chain acyl-CoA dehydrogenase deficiency. Last evaluated: 2022-11-08. Review status: criteria provided, single submitter. Criteria: Invitae Variant Classification Sherloc (09022015). Collection method: clinical testing. Allele origin: germline.
Comment: Algorithms developed to predict the effect of sequence changes on RNA splicing suggest that this variant may create or strengthen a splice site. Advanced modeling of protein sequence and biophysical properties (such as structural, functional, and spatial information, amino acid conservation, physicochemical variation, residue mobility, and thermodynamic stability) performed at Invitae indicates that this missense variant is expected to disrupt ACADVL protein function. This variant has not been reported in the literature in individuals affected with ACADVL-related conditions. The frequency data for this variant in the population databases is considered unreliable, as metrics indicate poor data quality at this position in the gnomAD database. This sequence change replaces alanine, which is neutral and non-polar, with valine, which is neutral and non-polar, at codon 3 of the ACADVL protein (p.Ala3Val). In summary, the available evidence is currently insufficient to determine the role of this variant in disease. Therefore, it has been classified as a Variant of Uncertain Significance.